The following is an entry in ClinVar:

ClinVar aggregate classification (germline): Uncertain significance (1 of 4 stars; one submission).

Allele frequency attached by ClinVar (database versions not stated): gnomAD 0.00001; ExAC 0.00003; TOPMed 0.00007.

Submission:

CeGaT Center for Human Genetics Tuebingen
Classification: Uncertain significance. Last evaluated: 2023-02-01. Review status: criteria provided, single submitter. Criteria: CeGaT Center For Human Genetics Tuebingen Variant Classification Criteria Version 2. Collection method: clinical testing. Allele origin: germline. Affected: yes. Observed: 1 variant allele.
Comment: PIGQ: PM2, BP4

NM_004204.5(PIGQ):c.436G>A (p.Val146Ile)

Gene: PIGQ (phosphatidylinositol glycan anchor biosynthesis class Q; plus strand). Cytogenetic location: 16p13.3.
Variant type: single nucleotide variant.
Coding change: c.436G>A on transcript NM_004204.5 (MANE Select); coding-DNA position 436, G replaced by A.
Protein change: p.Val146Ile; replaces valine 146 with isoleucine.
Molecular consequence: missense variant.
Genome position (GRCh38, 1-based): chr16:574,510, G>A. VCF-style: chr16-574510-G-A. GRCh37 (hg19) VCF-style: chr16-624510-G-A.
Other names: c.436G>A, p.Val146Ile (NM_148920.4); short protein forms V146I.
Identifiers: ClinVar variation 2645825 (VCV002645825.24), dbSNP rs769129603, ClinGen allele CA7779867.
Genomic context (GRCh38, chr16:574,510, plus strand): 5'-GTCATGCTCATCTTCTATGACCAGCGCCAGGTGTTGCTGTCACAGCTACACCTGCCCACC[G>A]TCCTGCCCGACCGCCAGGCTGGAGCCACCACTGCCAGCACGGGGGGCCTGGCTGCCGTCT-3'
Protein context (NP_004195.2, residues 136-156): VLLSQLHLPT[Val146Ile]LPDRQAGATT